The following is an entry in ClinVar:

NM_001379200.1(TBX1):c.1026C>T (p.Gly342=)

Gene: TBX1 (T-box transcription factor 1; plus strand). Cytogenetic location: 22q11.21.
Variant type: single nucleotide variant.
Coding change: c.1026C>T on transcript NM_001379200.1 (MANE Select); coding-DNA position 1026, C replaced by T.
Protein change: p.Gly342=; no amino-acid change (glycine 342 retained).
Molecular consequence: synonymous variant.
Genome position (GRCh38, 1-based): chr22:19,765,992, C>T. VCF-style: chr22-19765992-C-T. GRCh37 (hg19) VCF-style: chr22-19753515-C-T.
Other names: c.999C>T, p.Gly333= (NM_005992.1, NM_080646.2, NM_080647.1).
Identifiers: ClinVar variation 2844653 (VCV002844653.3), dbSNP rs1360989561, ClinGen allele CA513361584.

ClinVar aggregate classification (germline): Uncertain significance (1 of 4 stars; one submission).

Conditions:
DiGeorge syndrome. Also called: Catch22; THIRD AND FOURTH PHARYNGEAL POUCH SYNDROME. Identifiers: Orphanet 567, MedGen C0012236, MONDO:0008564, OMIM 188400.

gnomAD v4.1: 17 of 1,511,566 alleles (0.0011%); highest among the groups gnomAD compares: Non-Finnish European, 0.0014%; no homozygotes.

Submission:

Labcorp Genetics (formerly Invitae), Labcorp
Classification: Uncertain significance for DiGeorge syndrome. Last evaluated: 2025-09-19. Review status: criteria provided, single submitter. Criteria: Invitae Variant Classification Sherloc (09022015). Collection method: clinical testing. Allele origin: germline.
Comment: This sequence change affects codon 333 of the TBX1 mRNA. It is a 'silent' change, meaning that it does not change the encoded amino acid sequence of the TBX1 protein. This variant is not present in population databases (gnomAD no frequency). This variant has not been reported in the literature in individuals affected with TBX1-related conditions. ClinVar contains an entry for this variant (Variation ID: 2844653). Algorithms developed to predict the effect of sequence changes on RNA splicing suggest that this variant may create or strengthen a splice site. In summary, the available evidence is currently insufficient to determine the role of this variant in disease. Therefore, it has been classified as a Variant of Uncertain Significance.